The following is an entry in ClinVar:

ClinVar aggregate classification (germline): Pathogenic/Likely pathogenic. Review status: criteria provided, multiple submitters, no conflicts (2 of 4 stars). 2 submissions from 2 submitters: Pathogenic (1); Likely pathogenic (1). Last evaluated 2022-07-14.

Conditions:
Cohen syndrome (COH1). Also called: PEPPER SYNDROME; Cutis verticis gyrata, retinitis pigmentosa, and sensorineural deafness. Identifiers: Orphanet 193, MedGen C0265223, MONDO:0008999, OMIM 216550.
VPS13B-related disorder. Also called: VPS13B-related condition.

Submissions (2):

Blueprint Genetics
Classification: Likely pathogenic for VPS13B-related disorders. Last evaluated: 2022-07-14. Review status: criteria provided, single submitter. Criteria: ACMG Guidelines, 2015. Collection method: clinical testing. Allele origin: germline. Affected: yes. Observed: 1 variant allele.

Labcorp Genetics (formerly Invitae), Labcorp
Classification: Pathogenic for Cohen syndrome. Last evaluated: 2022-04-28. Review status: criteria provided, single submitter. Criteria: Invitae Variant Classification Sherloc (09022015). Collection method: clinical testing. Allele origin: germline.
Comment: For these reasons, this variant has been classified as Pathogenic. This variant has not been reported in the literature in individuals affected with VPS13B-related conditions. This variant is not present in population databases (gnomAD no frequency). This sequence change creates a premature translational stop signal (p.Ile2352*) in the VPS13B gene. It is expected to result in an absent or disrupted protein product. Loss-of-function variants in VPS13B are known to be pathogenic (PMID: 15141358, 16648375, 20461111).

Literature cited by the submitters: PubMed 15141358 (cited by Labcorp Genetics (formerly Invitae), Labcorp); PubMed 16648375 (cited by Labcorp Genetics (formerly Invitae), Labcorp); PubMed 20461111 (cited by Labcorp Genetics (formerly Invitae), Labcorp).

NM_152564.5(VPS13B):c.6979del (p.Arg2326_Ile2327insTer)

Gene: VPS13B (vacuolar protein sorting 13 homolog B; plus strand). Cytogenetic location: 8q22.2.
Variant type: Deletion.
Coding change: c.6979del on transcript NM_152564.5 (MANE Select); coding-DNA position 6979, one base deleted (A; older notation c.6979delA).
Protein change: p.Arg2326_Ile2327insTer.
Molecular consequence: nonsense.
Genome position (GRCh38, 1-based): chr8:99,720,976, A deleted; the last of 2 consecutive A bases (chr8:99,720,975-99,720,976); deleting either gives the same sequence. VCF-style (leftmost placement, unchanged base first): chr8-99720974-GA-G. GRCh37 (hg19) VCF-style: chr8-100733202-GA-G.
Other names: c.7054del, p.Arg2351_Ile2352insTer (NM_017890.5).
Identifiers: ClinVar variation 2131068 (VCV002131068.5), dbSNP rs2491580504, ClinGen allele CA2580079159.